The following is an entry in ClinVar:

NM_006739.4(MCM5):c.657C>G (p.Cys219Trp)

Gene: MCM5 (minichromosome maintenance complex component 5; plus strand). Cytogenetic location: 22q12.3.
Variant type: single nucleotide variant.
Coding change: c.657C>G on transcript NM_006739.4 (MANE Select); coding-DNA position 657, C replaced by G.
Protein change: p.Cys219Trp; replaces cysteine 219 with tryptophan.
Molecular consequence: missense variant.
Genome position (GRCh38, 1-based): chr22:35,408,468, C>G. VCF-style: chr22-35408468-C-G. GRCh37 (hg19) VCF-style: chr22-35804461-C-G.
Other names: short protein forms C219W.
Identifiers: ClinVar variation 3708164 (VCV003708164.2).

ClinVar aggregate classification (germline): Uncertain significance (1 of 4 stars; one submission).

Submission:

Labcorp Genetics (formerly Invitae), Labcorp
Classification: Uncertain significance. Last evaluated: 2025-01-24. Review status: criteria provided, single submitter. Criteria: Invitae Variant Classification Sherloc (09022015). Collection method: clinical testing. Allele origin: germline.
Comment: This sequence change replaces cysteine, which is neutral and slightly polar, with tryptophan, which is neutral and slightly polar, at codon 219 of the MCM5 protein (p.Cys219Trp). This variant is present in population databases (rs749202231, gnomAD 0.0009%). This variant has not been reported in the literature in individuals affected with MCM5-related conditions. Invitae Evidence Modeling of protein sequence and biophysical properties (such as structural, functional, and spatial information, amino acid conservation, physicochemical variation, residue mobility, and thermodynamic stability) indicates that this missense variant is expected to disrupt MCM5 protein function with a positive predictive value of 80%. In summary, the available evidence is currently insufficient to determine the role of this variant in disease. Therefore, it has been classified as a Variant of Uncertain Significance.